The following is an entry in ClinVar:

ClinVar aggregate classification (germline): Conflicting classifications of pathogenicity. Review status: criteria provided, conflicting classifications (1 of 4 stars). 10 submissions from 10 submitters: Uncertain significance (9); Likely benign (1). Last evaluated 2025-11-16.

Conditions:
Familial adenomatous polyposis 1 (FAP1). Also called: FAMILIAL ADENOMATOUS POLYPOSIS 1, ATTENUATED; POLYPOSIS, ADENOMATOUS INTESTINAL. Identifiers: MedGen C2713442, MONDO:0021056, OMIM 175100. Disease mechanism: loss of function.
Gastric adenocarcinoma and proximal polyposis of the stomach (GAPPS). Also called: POLYPOSIS, GASTRIC; Gastric Adenocarcinoma and Proximal Polyposis of the Stomach (GAPPS); Polyposis, gastric, Dos Santos and de Magalhaes 1980. Identifiers: Orphanet 314022, MedGen C4749917, MONDO:0017790, OMIM 619182.
Desmoid disease, hereditary (DESMD). Also called: FIBROMATOSIS, FAMILIAL INFILTRATIVE. Identifiers: Orphanet 873, MedGen C1851124, OMIM 135290. Disease mechanism: loss of function.
Hepatocellular carcinoma (HCC). Also called: Primary carcinoma of liver; HEPATOMA; LIVER CELL CARCINOMA. Identifiers: Orphanet 88673, MedGen C2239176, MONDO:0007256, OMIM 114550, HP:0001402.
Gastric cancer. Also called: Malignant tumor of stomach; Stomach cancer. Identifiers: MedGen C0024623, MeSH D013274, MONDO:0001056, OMIM 613659, HP:0012126.
Colorectal cancer. Also called: Malignant Colorectal Neoplasm; Colorectal cancer, somatic. Identifiers: MedGen C0346629, MONDO:0005575, OMIM 114500.
Classic or attenuated familial adenomatous polyposis. Identifiers: MedGen CN372698, MONDO:0021057.
Hereditary cancer-predisposing syndrome. Also called: Neoplastic Syndromes, Hereditary; Hereditary Cancer Syndrome; Hereditary neoplastic syndrome; Tumor predisposition. Identifiers: Orphanet 140162, MedGen C0027672, MeSH D009386, MONDO:0015356.

Allele frequency attached by ClinVar (database versions not stated): gnomAD exomes 0.00001 and 0.00005; ExAC 0.00002; TOPMed 0.00003.
gnomAD v4.1: 69 of 1,613,740 alleles (0.0043%); highest among the groups gnomAD compares: Non-Finnish European, 0.0053%; no homozygotes.

Submissions (10):

Labcorp Genetics (formerly Invitae), Labcorp
Classification: Uncertain significance for Familial adenomatous polyposis 1. Last evaluated: 2025-11-16. Review status: criteria provided, single submitter. Criteria: Invitae Variant Classification Sherloc (09022015). Collection method: clinical testing. Allele origin: germline.
Comment: This sequence change replaces threonine, which is neutral and polar, with serine, which is neutral and polar, at codon 1932 of the APC protein (p.Thr1932Ser). This variant is present in population databases (rs777604445, gnomAD 0.003%). This variant has not been reported in the literature in individuals affected with APC-related conditions. ClinVar contains an entry for this variant (Variation ID: 411367). Invitae Evidence Modeling of protein sequence and biophysical properties (such as structural, functional, and spatial information, amino acid conservation, physicochemical variation, residue mobility, and thermodynamic stability) indicates that this missense variant is not expected to disrupt APC protein function with a negative predictive value of 95%. In summary, the available evidence is currently insufficient to determine the role of this variant in disease. Therefore, it has been classified as a Variant of Uncertain Significance.

Women's Health and Genetics/Laboratory Corporation of America, LabCorp
Classification: Uncertain significance. Last evaluated: 2025-07-11. Review status: criteria provided, single submitter. Criteria: LabCorp Variant Classification Summary - May 2015. Collection method: clinical testing. Allele origin: germline.
Comment: Variant summary: APC c.5794A>T (p.Thr1932Ser) results in a conservative amino acid change in the encoded protein sequence. Algorithms developed to predict the effect of missense changes on protein structure and function all suggest that this variant is likely to be tolerated. The variant allele was found at a frequency of 1.2e-05 in 249976 control chromosomes. The available data on variant occurrences in the general population are insufficient to allow any conclusion about variant significance. c.5794A>T has been observed in at least one female with breast cancer diagnosed after the age of 50 (example: Tung_2015). This report does not provide unequivocal conclusions about association of the variant with Familial Adenomatous Polyposis. To our knowledge, no experimental evidence demonstrating an impact on protein function has been reported. The following publication has been ascertained in the context of this evaluation (PMID: 25186627). ClinVar contains an entry for this variant (Variation ID: 411367). Based on the evidence outlined above, the variant was classified as uncertain significance.

Color Diagnostics, LLC DBA Color Health
Classification: Uncertain significance for Hereditary cancer-predisposing syndrome. Last evaluated: 2024-08-12. Review status: criteria provided, single submitter. Criteria: ACMG Guidelines, 2015. Collection method: clinical testing. Allele origin: germline.
Comment: This missense variant replaces threonine with serine at codon 1932 of the APC protein. Computational prediction suggests that this variant may not impact protein structure and function (internally defined REVEL score threshold <= 0.5, PMID: 27666373). To our knowledge, functional studies have not been reported for this variant. This variant has been reported in individuals affected with colorectal cancer and renal papillary cell carcinoma (PMID: 28944238, 29684080). This variant has been identified in 3/249976 chromosomes in the general population by the Genome Aggregation Database (gnomAD). The available evidence is insufficient to determine the role of this variant in disease conclusively. Therefore, this variant is classified as a Variant of Uncertain Significance.

Fulgent Genetics
Classification: Uncertain significance for Colorectal cancer; Hepatocellular carcinoma; Desmoid disease, hereditary; Familial adenomatous polyposis 1; Gastric cancer; Gastric adenocarcinoma and proximal polyposis of the stomach. Last evaluated: 2024-05-08. Review status: criteria provided, single submitter. Criteria: ACMG Guidelines, 2015. Collection method: clinical testing. Allele origin: germline.

Baylor Genetics
Classification: Uncertain significance for Familial adenomatous polyposis 1. Last evaluated: 2024-03-19. Review status: criteria provided, single submitter. Criteria: ACMG Guidelines, 2015. Collection method: clinical testing. Allele origin: unknown.

GeneDx
Classification: Uncertain significance. Last evaluated: 2024-01-29. Review status: criteria provided, single submitter. Criteria: GeneDx Variant Classification Process June 2021. Collection method: clinical testing. Allele origin: germline. Affected: yes.
Comment: Not observed at significant frequency in large population cohorts (gnomAD); In silico analysis supports that this missense variant does not alter protein structure/function; This variant is associated with the following publications: (PMID: 25186627, 28944238, 29684080, 18199528)

All of Us Research Program, National Institutes of Health
Classification: Uncertain significance for Classic or attenuated familial adenomatous polyposis. Last evaluated: 2023-12-13. Review status: criteria provided, single submitter. Criteria: ACMG Guidelines, 2015. Collection method: clinical testing. Allele origin: germline. Inheritance: Autosomal dominant inheritance. Observed: 8 variant alleles, 8 heterozygotes.
Comment: This missense variant replaces threonine with serine at codon 1932 of the APC protein. Computational prediction suggests that this variant may not impact protein structure and function (internally defined REVEL score threshold <= 0.5, PMID: 27666373). To our knowledge, functional studies have not been reported for this variant. This variant has been reported in individuals affected with colorectal cancer and renal papillary cell carcinoma (PMID: 28944238, 29684080). This variant has been identified in 3/249976 chromosomes in the general population by the Genome Aggregation Database (gnomAD). The available evidence is insufficient to determine the role of this variant in disease conclusively. Therefore, this variant is classified as a Variant of Uncertain Significance.

This study involves interpretation of variants in research participants for the purpose of population health screening. Participant phenotype was not available at the time of variant classification. Additional details can be found in publication PMID: 35346344, PMCID: PMC8962531

Quest Diagnostics Nichols Institute San Juan Capistrano
Classification: Uncertain significance. Last evaluated: 2023-08-02. Review status: criteria provided, single submitter. Criteria: Quest Diagnostics criteria. Collection method: clinical testing. Allele origin: unknown.
Comment: In the published literature, this variant has been reported in an individual with breast cancer (PMID: 25186627 (2015)). The frequency of this variant in the general population, 0.000027 (3/112516 chromosomes (Genome Aggregation Database)), is uninformative in the assessment of its pathogenicity. Analysis of this variant using bioinformatics tools for the prediction of the effect of amino acid changes on protein structure and function yielded predictions that this variant is benign. Based on the available information, we are unable to determine the clinical significance of this variant.

Ambry Genetics
Classification: Likely benign for Hereditary cancer-predisposing syndrome. Last evaluated: 2022-12-14. Review status: criteria provided, single submitter. Criteria: Ambry Variant Classification Scheme 2023. Collection method: clinical testing. Allele origin: germline.

PreventionGenetics, part of Exact Sciences
Classification: Uncertain significance. Last evaluated: 2017-07-31. Review status: criteria provided, single submitter. Criteria: ACMG Guidelines, 2015. Collection method: clinical testing. Allele origin: germline.

Literature cited by the submitters: PubMed 25186627 (cited by Women's Health and Genetics/Laboratory Corporation of America, LabCorp and Quest Diagnostics Nichols Institute San Juan Capistrano); PubMed 28944238 (cited by 3 submitters); PubMed 29684080 (cited by Color Diagnostics, LLC DBA Color Health and All of Us Research Program, National Institutes of Health).

NM_000038.6(APC):c.5794A>T (p.Thr1932Ser)

Gene: APC (APC regulator of Wnt signaling pathway; plus strand). Cytogenetic location: 5q22.2.
Variant type: single nucleotide variant.
Coding change: c.5794A>T on transcript NM_000038.6 (MANE Select); coding-DNA position 5794, A replaced by T.
Protein change: p.Thr1932Ser; replaces threonine 1932 with serine.
Molecular consequence: missense variant.
Genome position (GRCh38, 1-based): chr5:112,841,388, A>T. VCF-style: chr5-112841388-A-T. GRCh37 (hg19) VCF-style: chr5-112177085-A-T.
Other names: c.5794A>T, p.Thr1932Ser (NM_001127510.3, NM_001354895.2); c.5740A>T, p.Thr1914Ser (NM_001127511.3); c.5848A>T, p.Thr1950Ser (NM_001354896.2); c.5824A>T, p.Thr1942Ser (NM_001354897.2); c.5719A>T, p.Thr1907Ser (NM_001354898.2); c.5710A>T, p.Thr1904Ser (NM_001354899.2); c.5671A>T, p.Thr1891Ser (NM_001354900.2); c.5617A>T, p.Thr1873Ser (NM_001354901.2); and 5 more; short protein forms T1914S, T1932S, T1891S, T1942S, T1772S, T1841S, T1873S, T1907S.
Identifiers: ClinVar variation 411367 (VCV000411367.30), dbSNP rs777604445, ClinGen allele CA043023.